The following is an entry in ClinVar:

ClinVar aggregate classification (germline): Conflicting classifications of pathogenicity. Review status: criteria provided, conflicting classifications (1 of 4 stars). 9 submissions from 9 submitters: Uncertain significance (3); Likely benign (4). 2 of the submissions do not count toward it. Last evaluated 2025-09-30.

Conditions:
Hereditary cancer-predisposing syndrome. Also called: Tumor predisposition; Neoplastic Syndromes, Hereditary; Hereditary Cancer Syndrome; Hereditary neoplastic syndrome. Identifiers: Orphanet 140162, MedGen C0027672, MeSH D009386, MONDO:0015356.
Hereditary breast ovarian cancer syndrome. Also called: Hereditary breast and ovarian cancer syndrome (HBOC); Hereditary breast and ovarian cancer syndrome; Hereditary breast and ovarian cancer; Hereditary breast and/or ovarian cancer syndrome; Breast and ovarian cancer; BRCA1- and BRCA2-Associated Hereditary Breast and Ovarian Cancer. Identifiers: Orphanet 145, MedGen C0677776, MeSH D061325, MONDO:0003582. Disease mechanism: loss of function.
Breast-ovarian cancer, familial, susceptibility to, 1 (BROVCA1). Also called: OVARIAN CANCER, SUSCEPTIBILITY TO; BRCA1 Hereditary Breast and Ovarian Cancer. Identifiers: Orphanet 145, MedGen C2676676, MONDO:0011450, OMIM 604370. Disease mechanism: loss of function.

Allele frequency attached by ClinVar (database versions not stated): gnomAD below 0.00001 and 0.00001; gnomAD exomes below 0.00001.
gnomAD v4.1: 2 of 1,613,494 alleles (0.00012%); highest among the groups gnomAD compares: Admixed American, 0.0017%; no homozygotes.

Submissions (10):

Labcorp Genetics (formerly Invitae), Labcorp
Classification: Likely benign for Hereditary breast ovarian cancer syndrome. Last evaluated: 2025-09-30. Review status: criteria provided, single submitter. Criteria: Invitae Variant Classification Sherloc (09022015). Collection method: clinical testing. Allele origin: germline.

All of Us Research Program, National Institutes of Health
Classification: Uncertain significance for Breast-ovarian cancer, familial, susceptibility to, 1. Last evaluated: 2023-06-08. Review status: criteria provided, single submitter. Criteria: ACMG Guidelines, 2015. Collection method: clinical testing. Allele origin: germline. Inheritance: Autosomal dominant inheritance. Observed: 1 variant allele, 1 heterozygote.
Comment: This missense variant replaces isoleucine with valine at codon 42 of the BRCA1 protein. Computational prediction suggests that this variant may not impact protein structure and function (internally defined REVEL score threshold <= 0.5, PMID: 27666373). Functional studies have reported that this variant does not impact BRCA1 function in a haploid cell proliferation assay, homology-directed DNA repair, ubiquitin ligase assays and in the rescue of cell survival to ionizing radiation in Brca1-null cells (PMID: 11320250, 21725363, 23161852, 30209399, 30696104). To our knowledge, this variant has not been reported in individuals affected with BRCA1-related disorders in the literature. This variant has not been identified in the general population by the Genome Aggregation Database (gnomAD). Although there is a suspicion that this variant may not be associated with disease, additional clinical studies are necessary to determine the role of this variant in disease conclusively. Therefore, this variant is classified as a Variant of Uncertain Significance.

This study involves interpretation of variants in research participants for the purpose of population health screening. Participant phenotype was not available at the time of variant classification. Additional details can be found in publication PMID: 35346344, PMCID: PMC8962531

Women's Health and Genetics/Laboratory Corporation of America, LabCorp
Classification: Likely benign. Last evaluated: 2023-06-08. Review status: criteria provided, single submitter. Criteria: LabCorp Variant Classification Summary - May 2015. Collection method: clinical testing. Allele origin: germline.
Comment: Variant summary: BRCA1 c.124A>G (p.Ile42Val) results in a conservative amino acid change located in the RING-type zinc finger domain (IPR001841) of the encoded protein sequence. Three of five in-silico tools predict a damaging effect of the variant on protein function. The variant was absent in 250738 control chromosomes (gnomAD). The available data on variant occurrences in the general population are insufficient to allow any conclusion about variant significance. To our knowledge, no occurrence of c.124A>G in individuals affected with Hereditary Breast And Ovarian Cancer Syndrome has been reported. Multiple studies have shown this variant protein retains normal activity (Ransburgh_2010, Starita_2018, Findlay_2018 Caleca_2019). At least one study showed no damaging effect of this variant on homology directed repair (HDR) activity (e.g. Findlay_2018). HDR assays qualify as a recognized gold standard on the basis of updated guidance provided by the ClinGen Sequence Variant Interpretation (SVI) working group. The following publications have been ascertained in the context of this evaluation (PMID: 15235020, 30696104, 30209399, 24411079, 21725363, 24289923, 16403807, 20103620, 11320250, 30219179, 25823446, 23161852). Three clinical diagnostic laboratories have submitted clinical-significance assessments for this variant to ClinVar after 2014 and classified the variant as likely benign (n=2) or uncertain significance (n=1). Based on the evidence outlined above, the variant was classified as likely benign.

Color Diagnostics, LLC DBA Color Health
Classification: Uncertain significance for Hereditary cancer-predisposing syndrome. Last evaluated: 2023-05-16. Review status: criteria provided, single submitter. Criteria: ACMG Guidelines, 2015. Collection method: clinical testing. Allele origin: germline.
Comment: This missense variant replaces isoleucine with valine at codon 42 of the BRCA1 protein. Computational prediction suggests that this variant may not impact protein structure and function (internally defined REVEL score threshold <= 0.5, PMID: 27666373). Functional studies have reported that this variant does not impact BRCA1 function in a haploid cell proliferation assay, homology-directed DNA repair, ubiquitin ligase assays and in the rescue of cell survival to ionizing radiation in Brca1-null cells (PMID: 11320250, 21725363, 23161852, 30209399, 30696104). To our knowledge, this variant has not been reported in individuals affected with BRCA1-related disorders in the literature. This variant has not been identified in the general population by the Genome Aggregation Database (gnomAD). Although there is a suspicion that this variant may not be associated with disease, additional clinical studies are necessary to determine the role of this variant in disease conclusively. Therefore, this variant is classified as a Variant of Uncertain Significance.

Myriad Genetics, Inc.
Classification: Likely benign for Breast-ovarian cancer, familial, susceptibility to, 1. Last evaluated: 2023-04-03. Review status: criteria provided, single submitter. Criteria: Myriad Autosomal Dominant, Autosomal Recessive and X-Linked Classification Criteria (2023). Collection method: clinical testing. Allele origin: unknown.
Comment: This variant is considered likely benign. This variant is strongly associated with less severe personal and family histories of cancer, typical for individuals without pathogenic variants in this gene [PMID: 25085752].

Quest Diagnostics Nichols Institute San Juan Capistrano
Classification: Uncertain significance. Last evaluated: 2023-02-16. Review status: criteria provided, single submitter. Criteria: Quest Diagnostics criteria. Collection method: clinical testing. Allele origin: unknown.
Comment: The frequency of this variant in the general population, 0.00021 (1/4830 chromosomes), is uninformative in assessment of its pathogenicity. Published functional studies have shown that this variant does not affect the BRCA1 function of DNA double-strand break repair (PMIDs: 30696104 (2018), 30219179 (2018), 30209399 (2018), 25823446 (2015), 23161852 (2013), 11320250 (2001), 15235020 (2004), 21725363 (2012), 20103620 (2010), 16403807 (2006)), but is deficient in the function of regulating centrosome number (PMIDs: 24288923 (2013), 23161852 (2013)). Analysis of this variant using bioinformatics tools for the prediction of the effect of amino acid changes on protein structure and function yielded conflicting predictions that this variant is benign or damaging. Based on the available information, we are unable to determine the clinical significance of this variant.

Ambry Genetics
Classification: Likely benign for Hereditary cancer-predisposing syndrome. Last evaluated: 2022-05-05. Review status: criteria provided, single submitter. Criteria: Ambry Variant Classification Scheme 2023. Collection method: clinical testing. Allele origin: germline.

Sharing Clinical Reports Project (SCRP)
Classification: Uncertain significance for Breast-ovarian cancer, familial 1. Last evaluated: 2012-05-01. Review status: no assertion criteria provided. Collection method: clinical testing. Allele origin: germline. Not counted in ClinVar's aggregate classification.

Breast Cancer Information Core (BIC) (BRCA1)
Classification: Uncertain significance for Breast-ovarian cancer, familial 1. Last evaluated: 1999-03-24. Review status: no assertion criteria provided. Collection method: clinical testing. Allele origin: germline. Affected: yes. Observed: 3 variant alleles. Not counted in ClinVar's aggregate classification.

Brotman Baty Institute, University of Washington
No classification provided (evidence only). Condition: Breast-ovarian cancer, familial 1. Review status: no classification provided. Collection method: in vitro. Allele origin: not applicable. Functional consequence: functionally_normal. Not counted in ClinVar's aggregate classification.
ClinVar note: "not provided" was previously submitted as the classification for the variant. However, the classification appeared to be based only on an observation of functional data so it was converted to no classification on 2025-07-30.

Literature cited by the submitters: PubMed 11320250 (cited by 5 submitters); PubMed 21725363 (cited by 5 submitters); PubMed 23161852 (cited by 5 submitters); PubMed 30209399 (cited by 5 submitters); PubMed 30696104 (cited by 5 submitters); PubMed 15235020 (cited by Women's Health and Genetics/Laboratory Corporation of America, LabCorp and Quest Diagnostics Nichols Institute San Juan Capistrano); PubMed 16403807 (cited by 3 submitters); PubMed 20103620 (cited by 3 submitters); PubMed 25823446 (cited by 3 submitters); PubMed 24411079 (cited by Women's Health and Genetics/Laboratory Corporation of America, LabCorp and Ambry Genetics); PubMed 24289923 (cited by 3 submitters); PubMed 30219179 (cited by 3 submitters); PubMed 25085752 (cited by Myriad Genetics, Inc.).

NM_007294.4(BRCA1):c.124A>G (p.Ile42Val)

Gene: BRCA1 (BRCA1 DNA repair associated; minus strand). Cytogenetic location: 17q21.31.
Variant type: single nucleotide variant.
Coding change: c.124A>G on transcript NM_007294.4 (MANE Select); coding-DNA position 124, A replaced by G.
Protein change: p.Ile42Val; replaces isoleucine 42 with valine.
Molecular consequence: missense variant. On other transcripts: non-coding transcript variant (1), intron variant (1).
Genome position (GRCh38, 1-based): chr17:43,115,736, T>C on the plus strand (A>G on the coding strand, the complement: BRCA1 is on the minus strand). VCF-style: chr17-43115736-T-C. GRCh37 (hg19) VCF-style: chr17-41267753-T-C.
Other names: c.-65A>G (NM_001407571.1, NM_001407853.1, NM_001407879.1 and 52 more transcripts); c.124A>G, p.Ile42Val (NM_001407581.1, NM_001407582.1, NM_001407583.1 and 192 more transcripts); c.-134A>G (NM_001407694.1, NM_001407696.1, NM_001407724.1 and 13 more transcripts); c.-138A>G (NM_001407695.1, NM_001408465.1); c.-18A>G (NM_001407697.1, NM_001407725.1, NM_001407728.1 and 47 more transcripts); c.-14A>G (NM_001407841.1); c.-181A>G (NM_001407889.1, NM_001407900.1, NM_001408492.1); c.-180A>G (NM_001407960.1, NM_001407962.1, NM_001408510.1 and 1 more transcripts); and 2 more; short protein forms I42V.
Identifiers: ClinVar variation 54172 (VCV000054172.25), dbSNP rs80357163, ClinGen allele CA000820.